The following is an entry in ClinVar:

ClinVar aggregate classification (germline): Uncertain significance (1 of 4 stars; one submission).

Conditions:
Long QT syndrome (LQTS). Identifiers: MedGen C0023976, MeSH D008133, MONDO:0002442. Disease mechanism: loss of function. Inheritance: Various modes of inheritance.

Submission:

Labcorp Genetics (formerly Invitae), Labcorp
Classification: Uncertain significance for Long QT syndrome. Last evaluated: 2021-11-03. Review status: criteria provided, single submitter. Criteria: Invitae Variant Classification Sherloc (09022015). Collection method: clinical testing. Allele origin: germline.
Comment: In summary, the available evidence is currently insufficient to determine the role of this variant in disease. Therefore, it has been classified as a Variant of Uncertain Significance. This sequence change replaces alanine, which is neutral and non-polar, with glycine, which is neutral and non-polar, at codon 268 of the KCNH2 protein (p.Ala268Gly). This variant is not present in population databases (gnomAD no frequency). This variant has not been reported in the literature in individuals affected with KCNH2-related conditions. Algorithms developed to predict the effect of missense changes on protein structure and function (SIFT, PolyPhen-2, Align-GVGD) all suggest that this variant is likely to be tolerated.

NM_000238.4(KCNH2):c.803C>G (p.Ala268Gly)

Gene: KCNH2 (potassium voltage-gated channel subfamily H member 2; minus strand). Cytogenetic location: 7q36.1.
Variant type: single nucleotide variant.
Coding change: c.803C>G on transcript NM_000238.4 (MANE Select); coding-DNA position 803, C replaced by G.
Protein change: p.Ala268Gly; replaces alanine 268 with glycine.
Molecular consequence: missense variant.
Genome position (GRCh38, 1-based): chr7:150,958,172, G>C on the plus strand (C>G on the coding strand, the complement: KCNH2 is on the minus strand). VCF-style: chr7-150958172-G-C. GRCh37 (hg19) VCF-style: chr7-150655260-G-C.
Other names: c.515C>G, p.Ala172Gly (NM_001406753.1, NM_001406756.1); c.626C>G, p.Ala209Gly (NM_001406755.1); c.503C>G, p.Ala168Gly (NM_001406757.1); c.803C>G, p.Ala268Gly (NM_172056.3); short protein forms A268G, A168G, A209G, A172G.
Identifiers: ClinVar variation 1431723 (VCV001431723.7), dbSNP rs1241943196, ClinGen allele CA369862424.
Genomic context (GRCh38, chr7:150,958,172, plus strand): 5'-ATGTCGTCGGCCGACGAGGCGCGGCGCACGCTGGCGCAGCTTTCTCGGGAGCGCGTCCGG[G>C]CCAGGCTGCAGCTGGAGCCCGAGGCGTCGGGGTTGAGGCTGTGCGCCCGGGGCGATGGGA-3'
Protein context (NP_000229.1, residues 258-278): PDASGSSCSL[Ala268Gly]RTRSRESCAS